The following is an entry in ClinVar:

ClinVar aggregate classification (germline): Uncertain significance (1 of 4 stars; one submission).

Conditions:
Hereditary cancer-predisposing syndrome. Also called: Hereditary neoplastic syndrome; Neoplastic Syndromes, Hereditary; Tumor predisposition; Hereditary Cancer Syndrome. Identifiers: Orphanet 140162, MedGen C0027672, MeSH D009386, MONDO:0015356.

Submission:

Ambry Genetics
Classification: Uncertain significance for Hereditary cancer-predisposing syndrome. Last evaluated: 2025-01-13. Review status: criteria provided, single submitter. Criteria: Ambry Variant Classification Scheme 2023. Collection method: clinical testing. Allele origin: germline.
Comment: The p.Q52P variant (also known as c.155A>C), located in coding exon 1 of the GREM1 gene, results from an A to C substitution at nucleotide position 155. The glutamine at codon 52 is replaced by proline, an amino acid with similar properties. This amino acid position is conserved. In addition, this alteration is predicted to be tolerated by in silico analysis. Based on the available evidence, the clinical significance of this variant remains unclear.

NM_013372.7(GREM1):c.155A>C (p.Gln52Pro)

Gene: GREM1 (gremlin 1, DAN family BMP antagonist; plus strand). Cytogenetic location: 15q13.3.
Variant type: single nucleotide variant.
Coding change: c.155A>C on transcript NM_013372.7 (MANE Select); coding-DNA position 155, A replaced by C.
Protein change: p.Gln52Pro; replaces glutamine 52 with proline.
Molecular consequence: missense variant. On other transcripts: intron variant (2).
Genome position (GRCh38, 1-based): chr15:32,730,845, A>C. VCF-style: chr15-32730845-A-C. GRCh37 (hg19) VCF-style: chr15-33023046-A-C.
Other names: c.155A>C, p.Gln52Pro (NM_001368719.1); c.114+41A>C (NM_001191323.2); c.28-83A>C (NM_001191322.2); short protein forms Q52P.
Identifiers: ClinVar variation 3855662 (VCV003855662.1).